The following is an entry in ClinVar:

NM_000388.4(CASR):c.2114T>C (p.Val705Ala)

Gene: CASR (calcium sensing receptor; plus strand). Cytogenetic location: 3q21.1.
Variant type: single nucleotide variant.
Coding change: c.2114T>C on transcript NM_000388.4 (MANE Select); coding-DNA position 2114, T replaced by C.
Protein change: p.Val705Ala; replaces valine 705 with alanine.
Molecular consequence: missense variant.
Genome position (GRCh38, 1-based): chr3:122,284,068, T>C. VCF-style: chr3-122284068-T-C. GRCh37 (hg19) VCF-style: chr3-122002915-T-C.
Other names: c.2144T>C, p.Val715Ala (NM_001178065.2); short protein forms V715A, V705A.
Identifiers: ClinVar variation 2128297 (VCV002128297.4), dbSNP rs2473278055, ClinGen allele CA354158605.
Genomic context (GRCh38, chr3:122,284,068, plus strand): 5'-GCATCAGCTTCGTGCTCTGCATCTCATGCATCCTGGTGAAAACCAACCGTGTCCTCCTGG[T>C]GTTTGAGGCCAAGATCCCCACCAGCTTCCACCGCAAGTGGTGGGGGCTCAACCTGCAGTT-3'
Protein context (NP_000379.3, residues 695-715): ILVKTNRVLL[Val705Ala]FEAKIPTSFH

ClinVar aggregate classification (germline): Uncertain significance (1 of 4 stars; one submission).

Conditions:
Familial hypocalciuric hypercalcemia (FHH). Also called: Familial benign hypercalcemia. Identifiers: Orphanet 405, MedGen C1809471, MONDO:0018458.
Autosomal dominant hypocalcemia 1 (HYPOC1). Also called: HYPOCALCEMIA, FAMILIAL. Identifiers: MedGen C3715128, MONDO:0011013, OMIM 601198.

Submission:

Labcorp Genetics (formerly Invitae), Labcorp
Classification: Uncertain significance for Familial hypocalciuric hypercalcemia; Autosomal dominant hypocalcemia 1. Last evaluated: 2022-04-20. Review status: criteria provided, single submitter. Criteria: Invitae Variant Classification Sherloc (09022015). Collection method: clinical testing. Allele origin: germline.
Comment: This sequence change replaces valine, which is neutral and non-polar, with alanine, which is neutral and non-polar, at codon 705 of the CASR protein (p.Val705Ala). This variant is not present in population databases (gnomAD no frequency). This variant has not been reported in the literature in individuals affected with CASR-related conditions. Algorithms developed to predict the effect of missense changes on protein structure and function are either unavailable or do not agree on the potential impact of this missense change (SIFT: "Deleterious"; PolyPhen-2: "Benign"; Align-GVGD: "Class C55"). In summary, the available evidence is currently insufficient to determine the role of this variant in disease. Therefore, it has been classified as a Variant of Uncertain Significance.